The following is an entry in ClinVar:

NM_001543.5(NDST1):c.227C>T (p.Ala76Val)

Gene: NDST1 (N-deacetylase and N-sulfotransferase 1; plus strand). Cytogenetic location: 5q33.1.
Variant type: single nucleotide variant.
Coding change: c.227C>T on transcript NM_001543.5 (MANE Select); coding-DNA position 227, C replaced by T.
Protein change: p.Ala76Val; replaces alanine 76 with valine.
Molecular consequence: missense variant.
Genome position (GRCh38, 1-based): chr5:150,521,481, C>T. VCF-style: chr5-150521481-C-T. GRCh37 (hg19) VCF-style: chr5-149901043-C-T.
Other names: c.227C>T, p.Ala76Val (NM_001301063.2); short protein forms A76V.
Identifiers: ClinVar variation 1712801 (VCV001712801.3), dbSNP rs749123011, ClinGen allele CA3512361.

ClinVar aggregate classification (germline): Conflicting classifications of pathogenicity. Review status: criteria provided, conflicting classifications (1 of 4 stars). 2 submissions from 2 submitters: Uncertain significance (1); Likely benign (1). Last evaluated 2024-11-15.

Allele frequency attached by ClinVar (database versions not stated): gnomAD 0.00001; TOPMed 0.00001; gnomAD exomes 0.00002; ExAC 0.00003.

Submissions (2):

Blueprint Genetics
Classification: Likely benign. Last evaluated: 2024-11-15. Review status: criteria provided, single submitter. Criteria: ACMG Guidelines, 2015. Collection method: clinical testing. Allele origin: germline.

GeneDx
Classification: Uncertain significance. Last evaluated: 2022-04-25. Review status: criteria provided, single submitter. Criteria: GeneDx Variant Classification Process June 2021. Collection method: clinical testing. Allele origin: germline. Affected: yes.
Comment: In silico analysis supports that this missense variant does not alter protein structure/function; Has not been previously published as pathogenic or benign to our knowledge